The following is an entry in ClinVar:

ClinVar aggregate classification (germline): Uncertain significance. Review status: criteria provided, multiple submitters, no conflicts (2 of 4 stars). 2 submissions from 2 submitters: Uncertain significance (2). Last evaluated 2026-07-07.

Conditions:
Hereditary cancer-predisposing syndrome. Also called: Hereditary neoplastic syndrome; Hereditary Cancer Syndrome; Neoplastic Syndromes, Hereditary; Tumor predisposition. Identifiers: Orphanet 140162, MedGen C0027672, MeSH D009386, MONDO:0015356.

Submissions (2):

Ambry Genetics
Classification: Uncertain significance for Hereditary cancer-predisposing syndrome. Last evaluated: 2026-07-07. Review status: criteria provided, single submitter. Criteria: Ambry Variant Classification Scheme 2023. Collection method: clinical testing. Allele origin: germline.
Comment: The p.G67W variant (also known as c.199G>T), located in coding exon 1 of the AXIN2 gene, results from a G to T substitution at nucleotide position 199. The glycine at codon 67 is replaced by tryptophan, an amino acid with highly dissimilar properties. This amino acid position is conserved. In addition, the in silico prediction for this alteration is inconclusive. Based on the available evidence, the clinical significance of this variant remains unclear.

GeneDx
Classification: Uncertain significance. Last evaluated: 2023-01-06. Review status: criteria provided, single submitter. Criteria: GeneDx Variant Classification Process June 2021. Collection method: clinical testing. Allele origin: germline. Affected: yes.
Comment: Not observed at significant frequency in large population cohorts (gnomAD); In silico analysis supports that this missense variant has a deleterious effect on protein structure/function; Has not been previously published as pathogenic or benign to our knowledge

NM_004655.4(AXIN2):c.199G>T (p.Gly67Trp)

Gene: AXIN2 (axin 2; minus strand). Cytogenetic location: 17q24.1.
Variant type: single nucleotide variant.
Coding change: c.199G>T on transcript NM_004655.4 (MANE Select); coding-DNA position 199, G replaced by T.
Protein change: p.Gly67Trp; replaces glycine 67 with tryptophan.
Molecular consequence: missense variant.
Genome position (GRCh38, 1-based): chr17:65,558,422, C>A on the plus strand (G>T on the coding strand, the complement: AXIN2 is on the minus strand). VCF-style: chr17-65558422-C-A. GRCh37 (hg19) VCF-style: chr17-63554540-C-A.
Other names: c.199G>T, p.Gly67Trp (NM_001363813.1); short protein forms G67W.
Identifiers: ClinVar variation 2571896 (VCV002571896.2), dbSNP rs2544253958, ClinGen allele CA400681910.